The following is an entry in ClinVar:

NM_004638.4(PRRC2A):c.5423C>T (p.Ser1808Phe)

Gene: PRRC2A (proline rich coiled-coil 2A; plus strand). Cytogenetic location: 6p21.33.
Variant type: single nucleotide variant.
Coding change: c.5423C>T on transcript NM_004638.4 (MANE Select); coding-DNA position 5423, C replaced by T.
Protein change: p.Ser1808Phe; replaces serine 1808 with phenylalanine.
Molecular consequence: missense variant.
Genome position (GRCh38, 1-based): chr6:31,635,631, C>T. VCF-style: chr6-31635631-C-T. GRCh37 (hg19) VCF-style: chr6-31603408-C-T.
Other names: c.5423C>T, p.Ser1808Phe (NM_080686.3); short protein forms S1808F.
Identifiers: ClinVar variation 3050214 (VCV003050214.2), dbSNP rs150484029, ClinGen allele CA3716527.
Genomic context (GRCh38, chr6:31,635,631, plus strand): 5'-CTCCTTCCCAGGCCATTCCTGTATCACGAGACTGGGAGCTGCTTCCCAGTGCTGCTGCCT[C>T]TGCTGAGCCACAATCCAAGAACCTGGATTCTGGGCACTGTGTCCCGGAGCCCAGCTCCTC-3'
Protein context (NP_004629.3, residues 1798-1818): DWELLPSAAA[Ser1808Phe]AEPQSKNLDS

ClinVar aggregate classification (germline): Benign (0 of 4 stars; one submission).

Conditions:
PRRC2A-related disorder. Also called: PRRC2A-related condition.

Allele frequency attached by ClinVar (database versions not stated): TOPMed 0.00017; 1000 Genomes Project 30x 0.00094; ESP Exome Variant Server 0.00095; gnomAD exomes 0.00103; 1000 Genomes Project 0.00120; gnomAD 0.00203; ExAC 0.00229.

Submission:

PreventionGenetics, part of Exact Sciences
Classification: Benign for PRRC2A-related condition. Last evaluated: 2019-07-15. Review status: no assertion criteria provided. Collection method: clinical testing. Allele origin: germline.
Comment: This variant is classified as benign based on ACMG/AMP sequence variant interpretation guidelines (Richards et al. 2015 PMID: 25741868, with internal and published modifications).